The following is an entry in ClinVar:

ClinVar aggregate classification (germline): Uncertain significance. Review status: criteria provided, multiple submitters, no conflicts (2 of 4 stars). 3 submissions from 3 submitters: Uncertain significance (3). Last evaluated 2024-09-09.

Conditions:
Familial thoracic aortic aneurysm and aortic dissection (TAAD). Also called: Thoracic aortic aneurysms and dissections. Identifiers: Orphanet 91387, MedGen C4707243, MONDO:0019625.
Isolated thoracic aortic aneurysm.
Aortic aneurysm, familial thoracic 4 (AAT4). Also called: AORTIC ANEURYSM/AORTIC DISSECTION AND PATENT DUCTUS ARTERIOSUS. Identifiers: MedGen C1851504, MONDO:0007568, OMIM 132900.

Allele frequency attached by ClinVar (database versions not stated): gnomAD exomes below 0.00001; TOPMed 0.00001.
gnomAD v4.1: 5 of 1,613,924 alleles (0.00031%); highest among the groups gnomAD compares: East Asian, 0.0022%; no homozygotes.

Submissions (3):

Labcorp Genetics (formerly Invitae), Labcorp
Classification: Uncertain significance for Aortic aneurysm, familial thoracic 4. Last evaluated: 2024-09-09. Review status: criteria provided, single submitter. Criteria: Invitae Variant Classification Sherloc (09022015). Collection method: clinical testing. Allele origin: germline.
Comment: This sequence change replaces arginine, which is basic and polar, with cysteine, which is neutral and slightly polar, at codon 1902 of the MYH11 protein (p.Arg1902Cys). This variant is not present in population databases (gnomAD no frequency). This missense change has been observed in individual(s) with thoracic aortic aneurysm and dissection (PMID: 33824467). This variant is also known as chr16:g.15808869G>A; :c.5683C>T; p.(Arg1895Cys). ClinVar contains an entry for this variant (Variation ID: 982356). Invitae Evidence Modeling of protein sequence and biophysical properties (such as structural, functional, and spatial information, amino acid conservation, physicochemical variation, residue mobility, and thermodynamic stability) indicates that this missense variant is not expected to disrupt MYH11 protein function with a negative predictive value of 95%. In summary, the available evidence is currently insufficient to determine the role of this variant in disease. Therefore, it has been classified as a Variant of Uncertain Significance.

Color Diagnostics, LLC DBA Color Health
Classification: Uncertain significance for Familial thoracic aortic aneurysm and aortic dissection. Last evaluated: 2022-03-03. Review status: criteria provided, single submitter. Criteria: ACMG Guidelines, 2015. Collection method: clinical testing. Allele origin: germline.
Comment: This missense variant replaces arginine with cysteine at codon 1902 of the MYH11 protein. Computational prediction suggests that this variant may have deleterious impact on protein structure and function (internally defined REVEL score threshold >= 0.7, PMID: 27666373). To our knowledge, functional studies have not been reported for this variant. This variant has not been reported in individuals affected with cardiovascular disorders in the literature. This variant has not been identified in the general population by the Genome Aggregation Database (gnomAD). The available evidence is insufficient to determine the role of this variant in disease conclusively. Therefore, this variant is classified as a Variant of Uncertain Significance.

Department of Vascular Biology, Beijing Anzhen Hospital
Classification: Uncertain significance for Isolated thoracic aortic aneurysm. Last evaluated: 2018-09-01. Review status: criteria provided, single submitter. Criteria: ACMG Guidelines, 2015. Collection method: research. Allele origin: germline. Affected: yes.

Literature cited by the submitters: PubMed 33824467 (cited by Labcorp Genetics (formerly Invitae), Labcorp).

NM_002474.3(MYH11):c.5683C>T (p.Arg1895Cys)

Genes: MYH11 (myosin heavy chain 11; minus strand), NDE1 (nudE neurodevelopment protein 1; plus strand). Cytogenetic location: 16p13.11.
Variant type: single nucleotide variant.
Coding change: c.5683C>T on transcript NM_002474.3 (MANE Select); coding-DNA position 5683, C replaced by T.
Protein change: p.Arg1895Cys; replaces arginine 1895 with cysteine.
Molecular consequence: missense variant. On other transcripts: intron variant (2).
Genome position (GRCh38, 1-based): chr16:15,715,012, G>A on the plus strand (C>T on the coding strand, the complement: MYH11 is on the minus strand). VCF-style: chr16-15715012-G-A. GRCh37 (hg19) VCF-style: chr16-15808869-G-A.
Other names: c.5704C>T, p.Arg1902Cys (NM_001040113.2, NM_001040114.2); c.5683C>T, p.Arg1895Cys (NM_022844.3); c.948-9179G>A (NM_001143979.2, NM_017668.3); short protein forms R1895C, R1902C.
Identifiers: ClinVar variation 982356 (VCV000982356.6), dbSNP rs992494235, ClinGen allele CA278593548.